The following is an entry in ClinVar:

NM_001164760.2(PRKAR1B):c.178G>T (p.Glu60Ter)

Gene: PRKAR1B (protein kinase cAMP-dependent type I regulatory subunit beta; minus strand). Cytogenetic location: 7p22.3.
Variant type: single nucleotide variant.
Coding change: c.178G>T on transcript NM_001164760.2 (MANE Select); coding-DNA position 178, G replaced by T.
Protein change: p.Glu60Ter; replaces glutamic acid 60 with a stop codon.
Molecular consequence: nonsense.
Genome position (GRCh38, 1-based): chr7:680,726, C>A on the plus strand (G>T on the coding strand, the complement: PRKAR1B is on the minus strand). VCF-style: chr7-680726-C-A. GRCh37 (hg19) VCF-style: chr7-720363-C-A.
Other names: c.178G>T, p.Glu60Ter (NM_001164758.2, NM_001164759.1, NM_001164761.2 and 2 more transcripts); short protein forms E60*.
Identifiers: ClinVar variation 3764515 (VCV003764515.1).

ClinVar aggregate classification (germline): Uncertain significance (1 of 4 stars; one submission).

Conditions:
Marbach-Schaaf neurodevelopmental syndrome (MASNS). Identifiers: Orphanet 692173, MedGen C5562050, MONDO:0859214, OMIM 619680.

Submission:

Institute of Human Genetics, University of Goettingen
Classification: Uncertain significance for Marbach-Schaaf neurodevelopmental syndrome. Last evaluated: 2025-02-17. Review status: criteria provided, single submitter. Criteria: ACMG Guidelines, 2015. Collection method: clinical testing. Allele origin: germline. Affected: yes. Observed: 1 heterozygote.
Comment: The stop gained and splice region variant was identified in the Het state in the PRKAR1B gene. This variant leads to p.Glu60Ter. In silico tools predict this variant to be damaging. The conservation at this position is high. The splice prediction at this position is high. This variant has not been seen previously in our laboratory. The variant is absent from ClinVar, and absent from HGMD. This variant is not reported in gnomAD (MAF 0). According to the ACMG guidelines, the variant is classified as Uncertain significance. Based on the above information, the variant is predicted to be VUS for this patient.